The following is an entry in ClinVar:

ClinVar aggregate classification (germline): Conflicting classifications of pathogenicity. Review status: criteria provided, conflicting classifications (1 of 4 stars). 2 submissions from 2 submitters: Uncertain significance (1); Likely benign (1). Last evaluated 2024-12-12.

Conditions:
Fraser syndrome 1 (FRASRS1). Also called: CRYPTOPHTHALMOS WITH OTHER MALFORMATIONS. Identifiers: Orphanet 2052, MedGen C4551480, MONDO:0054737, OMIM 219000.

gnomAD v4.1: 90 of 1,613,336 alleles (0.0056%); highest among the groups gnomAD compares: Admixed American, 0.1%; 2 homozygotes.

Submissions (2):

Labcorp Genetics (formerly Invitae), Labcorp
Classification: Uncertain significance. Last evaluated: 2024-12-12. Review status: criteria provided, single submitter. Criteria: Invitae Variant Classification Sherloc (09022015). Collection method: clinical testing. Allele origin: germline.
Comment: This sequence change replaces proline, which is neutral and non-polar, with histidine, which is basic and polar, at codon 378 of the FRAS1 protein (p.Pro378His). This variant is present in population databases (rs191796861, gnomAD 0.006%), including at least one homozygous and/or hemizygous individual. This variant has not been reported in the literature in individuals affected with FRAS1-related conditions. An algorithm developed to predict the effect of missense changes on protein structure and function (PolyPhen-2) suggests that this variant is likely to be disruptive. In summary, the available evidence is currently insufficient to determine the role of this variant in disease. Therefore, it has been classified as a Variant of Uncertain Significance.

Fulgent Genetics
Classification: Likely benign for Fraser syndrome 1. Last evaluated: 2024-02-21. Review status: criteria provided, single submitter. Criteria: ACMG Guidelines, 2015. Collection method: clinical testing. Allele origin: germline.

NM_025074.7(FRAS1):c.1133C>A (p.Pro378His)

Gene: FRAS1 (Fraser extracellular matrix complex subunit 1; plus strand). Cytogenetic location: 4q21.21.
Variant type: single nucleotide variant.
Coding change: c.1133C>A on transcript NM_025074.7 (MANE Select); coding-DNA position 1133, C replaced by A.
Protein change: p.Pro378His; replaces proline 378 with histidine.
Molecular consequence: missense variant.
Genome position (GRCh38, 1-based): chr4:78,282,845, C>A. VCF-style: chr4-78282845-C-A. GRCh37 (hg19) VCF-style: chr4-79203999-C-A.
Other names: c.1133C>A, p.Pro378His (NM_001166133.2); short protein forms P378H.
Identifiers: ClinVar variation 3590902 (VCV003590902.2).